The following is an entry in ClinVar:

NM_002109.6(HARS1):c.*331A>T

Gene: HARS1 (histidyl-tRNA synthetase 1; minus strand). Cytogenetic location: 5q31.3.
Variant type: single nucleotide variant.
Coding change: c.*331A>T on transcript NM_002109.6 (MANE Select); 331 bases downstream of the stop codon, A replaced by T.
Molecular consequence: 3 prime UTR variant.
Genome position (GRCh38, 1-based): chr5:140,673,926, T>A on the plus strand (A>T on the coding strand, the complement: HARS1 is on the minus strand). VCF-style: chr5-140673926-T-A. GRCh37 (hg19) VCF-style: chr5-140053511-T-A.
Other names: c.*331A>T (NM_001258040.3, NM_001258041.3, NM_001258042.3 and 3 more transcripts).
Identifiers: ClinVar variation 3770189 (VCV003770189.4), dbSNP rs886060018.

ClinVar aggregate classification (germline): Conflicting classifications of pathogenicity. Review status: criteria provided, conflicting classifications (1 of 4 stars). 2 submissions from 2 submitters: Likely pathogenic (1); Uncertain significance (1). Last evaluated 2026-02-20.

Conditions:
HARS1-related multi-system ataxia syndrome.

Allele frequency attached by ClinVar (database versions not stated): TOPMed 0.00008; gnomAD 0.00010.
gnomAD v4.1: 44 of 557,610 alleles (0.0079%); highest among the groups gnomAD compares: Non-Finnish European, 0.013%; no homozygotes.

Submissions (2):

Undiagnosed Diseases Network, NIH
Classification: Likely pathogenic for HARS1-related multi-system ataxia syndrome. Last evaluated: 2026-02-20. Review status: criteria provided, single submitter. Criteria: ACMG Guidelines, 2015. Collection method: clinical testing. Allele origin: paternal. Inheritance: Autosomal recessive inheritance. Affected: yes. Observed: 1 variant allele, 1 compound heterozygote. Study: Undiagnosed Diseases Network (NIH), UDN.
Comment: Likely pathogenic based on PS4_moderate + PM3_moderate and 2 supporting (PM2_supporting + PS3_supporting).

GeneDx
Classification: Uncertain significance. Last evaluated: 2026-02-13. Review status: criteria provided, single submitter. Criteria: GeneDx Variant Classification Process June 2021. Collection method: clinical testing. Allele origin: germline.
Comment: Has not been previously published as pathogenic or benign to our knowledge; Located in a regulatory region; in the absence of functional studies, the actual effect of this sequence change is unknown; This variant is associated with the following publications: (PMID: 41292655)

Literature cited by the submitters: PubMed 41292655 (cited by Undiagnosed Diseases Network, NIH).